The following is an entry in ClinVar:

NM_001128840.3(CACNA1D):c.2534C>T (p.Pro845Leu)

Gene: CACNA1D (calcium voltage-gated channel subunit alpha1 D; plus strand). Cytogenetic location: 3p21.1.
Variant type: single nucleotide variant.
Coding change: c.2534C>T on transcript NM_001128840.3 (MANE Select); coding-DNA position 2534, C replaced by T.
Protein change: p.Pro845Leu; replaces proline 845 with leucine.
Molecular consequence: missense variant.
Genome position (GRCh38, 1-based): chr3:53,732,875, C>T. VCF-style: chr3-53732875-C-T. GRCh37 (hg19) VCF-style: chr3-53766902-C-T.
Other names: c.2594C>T, p.Pro865Leu (NM_000720.4); c.2534C>T, p.Pro845Leu (NM_001128839.3); short protein forms P845L, P865L.
Identifiers: ClinVar variation 2501386 (VCV002501386.1), dbSNP rs2473797332, ClinGen allele CA353241527.

ClinVar aggregate classification (germline): Uncertain significance (1 of 4 stars; one submission).

Submission:

GeneDx
Classification: Uncertain significance. Last evaluated: 2022-11-03. Review status: criteria provided, single submitter. Criteria: GeneDx Variant Classification Process June 2021. Collection method: clinical testing. Allele origin: germline. Affected: yes.
Comment: Not observed at significant frequency in large population cohorts (gnomAD); In silico analysis supports that this missense variant has a deleterious effect on protein structure/function; Has not been previously published as pathogenic or benign to our knowledge